The following is an entry in ClinVar:

NM_005921.2(MAP3K1):c.2555T>C (p.Met852Thr)

Gene: MAP3K1 (mitogen-activated protein kinase kinase kinase 1; plus strand). Cytogenetic location: 5q11.2.
Variant type: single nucleotide variant.
Coding change: c.2555T>C on transcript NM_005921.2 (MANE Select); coding-DNA position 2555, T replaced by C.
Protein change: p.Met852Thr; replaces methionine 852 with threonine.
Molecular consequence: missense variant.
Genome position (GRCh38, 1-based): chr5:56,881,755, T>C. VCF-style: chr5-56881755-T-C. GRCh37 (hg19) VCF-style: chr5-56177582-T-C.
Other names: short protein forms M852T.
Identifiers: ClinVar variation 4981994 (VCV004981994.1).

ClinVar aggregate classification (germline): Likely benign (1 of 4 stars; one submission).

Conditions:
MAP3K1-related disorder. Also called: MAP3K1-related condition.

gnomAD v4.1: 195 of 1,614,154 alleles (0.012%); highest among the groups gnomAD compares: African/African-American, 0.24%; 2 homozygotes.

Submission:

PreventionGenetics, part of Exact Sciences
Classification: Likely benign for MAP3K1-related condition. Last evaluated: 2025-07-02. Review status: criteria provided, single submitter. Criteria: ACMG Guidelines, 2015. Collection method: clinical testing. Allele origin: germline.
Comment: This variant is classified as likely benign based on ACMG/AMP sequence variant interpretation guidelines (Richards et al. 2015 PMID: 25741868, with internal and published modifications).